The following is an entry in ClinVar:

NM_021072.4(HCN1):c.808C>T (p.Arg270Ter)

Gene: HCN1 (hyperpolarization activated cyclic nucleotide gated potassium channel 1; minus strand). Cytogenetic location: 5p12.
Variant type: single nucleotide variant.
Coding change: c.808C>T on transcript NM_021072.4 (MANE Select); coding-DNA position 808, C replaced by T.
Protein change: p.Arg270Ter; replaces arginine 270 with a stop codon.
Molecular consequence: nonsense.
Genome position (GRCh38, 1-based): chr5:45,645,226, G>A on the plus strand (C>T on the coding strand, the complement: HCN1 is on the minus strand). VCF-style: chr5-45645226-G-A. GRCh37 (hg19) VCF-style: chr5-45645328-G-A.
Other names: short protein forms R270*.
Identifiers: ClinVar variation 1208904 (VCV001208904.16), dbSNP rs541911994, ClinGen allele CA3259415.

ClinVar aggregate classification (germline): Uncertain significance. Review status: criteria provided, multiple submitters, no conflicts (2 of 4 stars). 5 submissions from 5 submitters: Uncertain significance (4). 1 of the submissions does not count toward it. Last evaluated 2025-08-29.

Conditions:
Generalized epilepsy with febrile seizures plus, type 10. Also called: GEFS+, TYPE 10. Identifiers: MedGen C5193120, MONDO:0032777, OMIM 618482.
HCN1-related disorder. Also called: HCN1-related disorders; HCN1-related condition.
Early-infantile DEE. Also called: Early infantile epileptic encephalopathy; Ohtahara syndrome; Early infantile epileptic encephalopathy with suppression bursts. Identifiers: Orphanet 1934, MedGen C0393706, MONDO:0800491.
Inborn genetic diseases. Identifiers: MedGen C0950123, MeSH D030342.

Allele frequency attached by ClinVar (database versions not stated): gnomAD exomes below 0.00001; ExAC 0.00001; gnomAD 0.00001; TOPMed 0.00001; 1000 Genomes Project 30x 0.00016; 1000 Genomes Project 0.00020.
gnomAD v4.1: 5 of 1,613,326 alleles (0.00031%); highest among the groups gnomAD compares: East Asian, 0.0022%; no homozygotes.

Submissions (5):

GeneDx
Classification: Uncertain significance. Last evaluated: 2025-08-29. Review status: criteria provided, single submitter. Criteria: GeneDx Variant Classification Process June 2021. Collection method: clinical testing. Allele origin: germline. Affected: yes.
Comment: Nonsense variant predicted to result in protein truncation or nonsense mediated decay in a gene or region of a gene for which loss of function is not a well-established mechanism of disease; This variant is associated with the following publications: (PMID: 38009841)

PreventionGenetics, part of Exact Sciences
Classification: Uncertain significance for HCN1-related condition. Last evaluated: 2025-05-02. Review status: criteria provided, single submitter. Criteria: ACMG Guidelines, 2015. Collection method: clinical testing. Allele origin: germline.
Comment: The HCN1 c.808C>T variant is predicted to result in premature protein termination (p.Arg270*). To our knowledge, this variant has not been reported in the literature and has not been reported in gnomAD, indicating it is rare. Loss-of function variants in HCN1 have not been conclusively established as a mechanism of disease. Although we suspect that this variant may be pathogenic, at this time, the clinical significance of this variant is uncertain due to the absence of conclusive functional and genetic evidence.

Labcorp Genetics (formerly Invitae), Labcorp
Classification: Uncertain significance for Early-infantile DEE. Last evaluated: 2025-01-17. Review status: criteria provided, single submitter. Criteria: Invitae Variant Classification Sherloc (09022015). Collection method: clinical testing. Allele origin: germline.
Comment: This sequence change creates a premature translational stop signal (p.Arg270*) in the HCN1 gene. It is expected to result in an absent or disrupted protein product. However, the current clinical and genetic evidence is not sufficient to establish whether loss-of-function variants in HCN1 cause disease. This variant is not present in population databases (gnomAD no frequency). This variant has not been reported in the literature in individuals affected with HCN1-related conditions. This premature translational stop signal has been observed in at least one individual who was not affected with HCN1-related conditions (internal data). ClinVar contains an entry for this variant (Variation ID: 1208904). Algorithms developed to predict the effect of sequence changes on RNA splicing suggest that this variant may disrupt the consensus splice site. In summary, the available evidence is currently insufficient to determine the role of this variant in disease. Therefore, it has been classified as a Variant of Uncertain Significance.

Ambry Genetics
Classification: Uncertain significance for Inborn genetic diseases. Last evaluated: 2017-10-09. Review status: criteria provided, single submitter. Criteria: Ambry Variant Classification Scheme 2023. Collection method: clinical testing. Allele origin: germline.
Comment: The p.R270* variant (also known as c.808C>T), located in coding exon 2 of the HCN1 gene, results from a C to T substitution at nucleotide position 808. This changes the amino acid from an arginine to a stop codon within coding exon 2. This alteration is expected to result in loss of function by premature protein truncation or nonsense-mediated mRNA decay. However, loss of function of HCN1 has not been clearly established as a mechanism of disease. Since supporting evidence is limited at this time, the clinical significance of this alteration remains unclear.

Department of Neurology, Hunan Children's Hospital
Classification: Uncertain significance for Generalized epilepsy with febrile seizures plus, type 10. Last evaluated: 2021-12-01. Review status: no assertion criteria provided. Collection method: clinical testing. Allele origin: de novo. Affected: yes. Not counted in ClinVar's aggregate classification.